The following is an entry in ClinVar:

NM_007194.4(CHEK2):c.265_270del (p.Thr89_Pro90del)

Gene: CHEK2 (checkpoint kinase 2; minus strand). Cytogenetic location: 22q12.1.
Variant type: Deletion.
Coding change: c.265_270del on transcript NM_007194.4 (MANE Select); coding-DNA positions 265 to 270, 6 bases deleted (ACCCCT; older notation c.265_270delACCCCT).
Protein change: p.Thr89_Pro90del.
Molecular consequence: inframe deletion. On other transcripts: inframe indel (3).
Genome position (GRCh38, 1-based): chr22:28,734,452-28,734,457, AGGGGT deleted on the plus strand (ACCCCT on the coding strand, the reverse complement: CHEK2 is on the minus strand); deleting any 6 consecutive bases within chr22:28,734,452-28,734,460 gives the same sequence; the c. name uses the placement nearest the transcript's 3' end. VCF-style (leftmost placement, unchanged base first): chr22-28734451-CAGGGGT-C. GRCh37 (hg19) VCF-style: chr22-29130439-CAGGGGT-C.
Other names: c.262_267delCCTACC, p.Thr89_Pro90del (NM_001005735.3, NM_001349956.3, NM_145862.3); c.-516_-511delCCTACC (NM_001257387.3).
Identifiers: ClinVar variation 418126 (VCV000418126.6), dbSNP rs1064793085, ClinGen allele CA16621084.

ClinVar aggregate classification (germline): Uncertain significance. Review status: criteria provided, multiple submitters, no conflicts (2 of 4 stars). 2 submissions from 2 submitters: Uncertain significance (2). Last evaluated 2022-01-19.

Conditions:
Familial cancer of breast. Also called: Hereditary breast cancer; BREAST CANCER, FAMILIAL; hereditary breast carcinoma. Identifiers: Orphanet 227535, MedGen C0346153, MONDO:0016419, OMIM 114480. Disease mechanism: loss of function.

Submissions (2):

Labcorp Genetics (formerly Invitae), Labcorp
Classification: Uncertain significance for Familial cancer of breast. Last evaluated: 2022-01-19. Review status: criteria provided, single submitter. Criteria: Invitae Variant Classification Sherloc (09022015). Collection method: clinical testing. Allele origin: germline.
Comment: This variant is not present in population databases (gnomAD no frequency). In summary, the available evidence is currently insufficient to determine the role of this variant in disease. Therefore, it has been classified as a Variant of Uncertain Significance. Experimental studies and prediction algorithms are not available or were not evaluated, and the functional significance of this variant is currently unknown. ClinVar contains an entry for this variant (Variation ID: 418126). This variant has not been reported in the literature in individuals affected with CHEK2-related conditions. This variant, c.265_270del, results in the deletion of 2 amino acid(s) of the CHEK2 protein (p.Thr89_Pro90del), but otherwise preserves the integrity of the reading frame.

GeneDx
Classification: Uncertain significance. Last evaluated: 2015-01-19. Review status: criteria provided, single submitter. Criteria: GeneDx Variant Classification (06012015). Collection method: clinical testing. Allele origin: germline. Affected: yes.
Comment: This deletion of 6 nucleotides in CHEK2 is denoted c.265_270delACCCCT at the cDNA level and p.Thr89_Pro90del at the protein level. The normal sequence, with the bases that are deleted in brackets, is GCCT[ACCCCT]GCCC. This in frame deletion occurs in a region that is highly conserved in mammals and is not located in a known functional domain. This variant has not, to our knowledge, been published in the literature as pathogenic or benign. Since in frame deletions may or may not inhibit proper protein functioning, the clinical significance of this finding remains unclear at this time and we consider CHEK2 Thr89_Pro90del to be a variant of uncertain significance.